The following is an entry in ClinVar:

ClinVar aggregate classification (germline): Pathogenic. Review status: criteria provided, multiple submitters, no conflicts (2 of 4 stars). 3 submissions from 3 submitters: Pathogenic (2). 1 of the submissions does not count toward it. Last evaluated 2025-09-14.

Conditions:
CFTR-related disorder (CFTR-RD). Also called: CFTR-related condition; CFTR-related disorders. Identifiers: MedGen C5924204, MONDO:7770004.
Cystic fibrosis (CF). Also called: MUCOVISCIDOSIS. Identifiers: Orphanet 586, MedGen C0010674, MONDO:0009061, OMIM 219700. Disease mechanism: loss of function.

Submissions (3):

Natera, Inc.
Classification: Pathogenic for CFTR-related disorders. Last evaluated: 2025-09-14. Review status: criteria provided, single submitter. Criteria: Natera Variant Classification Schema (03/2026). Collection method: clinical testing. Allele origin: germline.
Comment: The c.2479G>T variant in CFTR is a nonsense variant predicted to introduce a stop codon at amino acid 827. This variant is expected to result in nonsense mediated decay, truncation, or a dysfunctional protein product. This variant is rare in the general population with a frequency below the threshold expected for the associated phenotype(s). This variant has been observed in one or more individuals affected with the associated recessive disease, as either homozygous or compound heterozygous with a second variant (PMID: 8947061). Additionally, this variant has been observed to segregate in affected family members (PMID: 8947061). Given the available evidence, this variant is classified as Pathogenic.

CFTR-France
Classification: Pathogenic for cystic fibrosis. Last evaluated: 2018-01-29. Review status: criteria provided, single submitter. Criteria: Claustres M et al. (Hum Mutat 2017). Collection method: curation. Allele origin: germline. Affected: yes.

OMIM
Classification: Pathogenic for CYSTIC FIBROSIS. Last evaluated: 1992-06-01. Review status: no assertion criteria provided. Collection method: literature only. Allele origin: germline. Not counted in ClinVar's aggregate classification.

Literature cited by the submitters: PubMed 8947061 (cited by Natera, Inc.); PubMed 1284639 (cited by OMIM).

NM_000492.4(CFTR):c.2479G>T (p.Glu827Ter)

Gene: CFTR (CF transmembrane conductance regulator; plus strand). Cytogenetic location: 7q31.2.
Variant type: single nucleotide variant.
Coding change: c.2479G>T on transcript NM_000492.4 (MANE Select); coding-DNA position 2479, G replaced by T.
Protein change: p.Glu827Ter; replaces glutamic acid 827 with a stop codon.
Molecular consequence: nonsense.
Genome position (GRCh38, 1-based): chr7:117,592,646, G>T. VCF-style: chr7-117592646-G-T. GRCh37 (hg19) VCF-style: chr7-117232700-G-T.
Other names: short protein forms E827*.
Identifiers: ClinVar variation 7157 (VCV000007157.3), dbSNP rs121909018, ClinGen allele CA325553.